The following is an entry in ClinVar:

ClinVar aggregate classification (germline): Uncertain significance (1 of 4 stars; one submission).

Submission:

Women's Health and Genetics/Laboratory Corporation of America, LabCorp
Classification: Uncertain significance. Last evaluated: 2019-07-24. Review status: criteria provided, single submitter. Criteria: LabCorp Variant Classification Summary - May 2015. Collection method: clinical testing. Allele origin: germline.
Comment: Variant summary: SCN2A c.3630C>G (p.Phe1210Leu) results in a non-conservative amino acid change located in the ion transport domain (IPR005821) of the encoded protein sequence. Five of five in-silico tools predict a damaging effect of the variant on protein function. The variant was absent in 251322 control chromosomes (gnomAD). The available data on variant occurrences in the general population are insufficient to allow any conclusion about variant significance. To our knowledge, no occurrence of c.3630C>G in individuals affected with Benign familial neonatal-infantile seizures and no experimental evidence demonstrating its impact on protein function have been reported. No clinical diagnostic laboratories have submitted clinical-significance assessments for this variant to ClinVar after 2014. Based on the evidence outlined above, the variant was classified as uncertain significance.

NM_001040142.2(SCN2A):c.3630C>G (p.Phe1210Leu)

Gene: SCN2A (sodium voltage-gated channel alpha subunit 2; plus strand). Cytogenetic location: 2q24.3.
Variant type: single nucleotide variant.
Coding change: c.3630C>G on transcript NM_001040142.2 (MANE Select); coding-DNA position 3630, C replaced by G.
Protein change: p.Phe1210Leu; replaces phenylalanine 1210 with leucine.
Molecular consequence: missense variant.
Genome position (GRCh38, 1-based): chr2:165,367,326, C>G. VCF-style: chr2-165367326-C-G. GRCh37 (hg19) VCF-style: chr2-166223836-C-G.
Other names: c.3630C>G, p.Phe1210Leu (NM_001040143.2, NM_001371246.1, NM_001371247.1 and 1 more transcripts); short protein forms F1210L.
Identifiers: ClinVar variation 929104 (VCV000929104.1), dbSNP rs371422797, ClinGen allele CA349026252.